The following is an entry in ClinVar:

NM_001042492.3(NF1):c.6439_6442del (p.Gln2147fs)

Gene: NF1 (neurofibromin 1; plus strand). Cytogenetic location: 17q11.2.
Variant type: Microsatellite.
Coding change: c.6439_6442del on transcript NM_001042492.3 (MANE Select); coding-DNA positions 6439 to 6442, 4 bases deleted (CAAG; older notation c.6439_6442delCAAG).
Protein change: p.Gln2147fs; shifts the reading frame from glutamine 2147.
Molecular consequence: frameshift variant.
Genome position (GRCh38, 1-based): chr17:31,337,379-31,337,382, CAAG deleted; deleting any 4 consecutive bases within chr17:31,337,375-31,337,382 gives the same sequence; the c. name uses the placement nearest the transcript's 3' end. VCF-style (leftmost placement, unchanged base first): chr17-31337374-CCAAG-C. GRCh37 (hg19) VCF-style: chr17-29664392-CCAAG-C.
Other names: c.6372_6375CAAG[1], p.Gln2126Phefs (NM_000267.4); short protein forms Q2126fs, Q2147fs.
Identifiers: ClinVar variation 2839254 (VCV002839254.6), dbSNP rs2508752894, ClinGen allele CA2739267421.

ClinVar aggregate classification (germline): Pathogenic. Review status: criteria provided, multiple submitters, no conflicts (2 of 4 stars). 3 submissions from 3 submitters: Pathogenic (3). Last evaluated 2026-01-07.

Conditions:
Neurofibromatosis, type 1 (NF1). Also called: VON RECKLINGHAUSEN DISEASE; NEUROFIBROMATOSIS, TYPE I, SOMATIC; Peripheral type neurofibromatosis; Neurofibromatosis, type I. Identifiers: Orphanet 636, MedGen C0027831, MONDO:0018975, OMIM 162200. Disease mechanism: loss of function.

Submissions (3):

Myriad Genetics, Inc.
Classification: Pathogenic for Neurofibromatosis, type 1. Last evaluated: 2026-01-07. Review status: criteria provided, single submitter. Criteria: Myriad Autosomal Dominant, Autosomal Recessive and X-Linked Classification Criteria (2023). Collection method: clinical testing. Allele origin: unknown.
Comment: This variant is considered pathogenic. This variant creates a frameshift predicted to result in premature protein truncation.

GeneDx
Classification: Pathogenic. Last evaluated: 2025-07-01. Review status: criteria provided, single submitter. Criteria: GeneDx Variant Classification Process June 2021. Collection method: clinical testing. Allele origin: germline.
Comment: Frameshift variant predicted to result in protein truncation or nonsense mediated decay in a gene for which loss of function is a known mechanism of disease; Not observed at significant frequency in large population cohorts (gnomAD); Has not been previously published as pathogenic or benign to our knowledge

Labcorp Genetics (formerly Invitae), Labcorp
Classification: Pathogenic for Neurofibromatosis, type 1. Last evaluated: 2023-09-15. Review status: criteria provided, single submitter. Criteria: Invitae Variant Classification Sherloc (09022015). Collection method: clinical testing. Allele origin: germline.
Comment: This sequence change creates a premature translational stop signal (p.Gln2126Phefs*2) in the NF1 gene. It is expected to result in an absent or disrupted protein product. Loss-of-function variants in NF1 are known to be pathogenic (PMID: 10712197, 23913538). This variant is not present in population databases (gnomAD no frequency). This premature translational stop signal has been observed in individual(s) with NF1-related conditions (Invitae). For these reasons, this variant has been classified as Pathogenic.

Literature cited by the submitters: PubMed 10712197 (cited by Labcorp Genetics (formerly Invitae), Labcorp); PubMed 23913538 (cited by Labcorp Genetics (formerly Invitae), Labcorp).